The following is an entry in ClinVar:

ClinVar aggregate classification (germline): Benign/Likely benign. Review status: criteria provided, multiple submitters, no conflicts (2 of 4 stars). 3 submissions from 3 submitters: Benign (2); Likely benign (1). Last evaluated 2024-11-27.

Allele frequency attached by ClinVar (database versions not stated): 1000 Genomes Project 0.00399; 1000 Genomes Project 30x 0.00468; gnomAD exomes 0.00615 and 0.00689; gnomAD 0.00634 and 0.00639; ExAC 0.00636; TOPMed 0.00646; ESP Exome Variant Server 0.00861.
gnomAD v4.1: 5,226 of 772,700 alleles (0.68%); highest among the groups gnomAD compares: Non-Finnish European, 1%; 31 homozygotes.

Submissions (3):

Blueprint Genetics
Classification: Likely benign. Last evaluated: 2024-11-27. Review status: criteria provided, single submitter. Criteria: ACMG Guidelines, 2015. Collection method: clinical testing. Allele origin: germline.

GeneDx
Classification: Benign. Last evaluated: 2019-03-19. Review status: criteria provided, single submitter. Criteria: GeneDx Variant Classification Process June 2021. Collection method: clinical testing. Allele origin: germline. Affected: yes.

Laboratory for Molecular Medicine, Mass General Brigham Personalized Medicine
Classification: Benign. Last evaluated: 2017-08-23. Review status: criteria provided, single submitter. Criteria: LMM Criteria. Collection method: clinical testing. Allele origin: germline. Observed: 3 variant alleles.
Comment: c.*3G>T in exon 20 of ADCY1: This variant is not expected to have clinical signi ficance because it has been identified in 0.91% (561/61424) of European chromoso mes by the Exome Aggregation Consortium (ExAC; d bSNP rs12721481).

NM_021116.4(ADCY1):c.*3G>T

Gene: ADCY1 (adenylate cyclase 1; plus strand). Cytogenetic location: 7p12.3.
Variant type: single nucleotide variant.
Coding change: c.*3G>T on transcript NM_021116.4 (MANE Select); 3 bases downstream of the stop codon, G replaced by T.
Molecular consequence: 3 prime UTR variant.
Genome position (GRCh38, 1-based): chr7:45,713,998, G>T. VCF-style: chr7-45713998-G-T. GRCh37 (hg19) VCF-style: chr7-45753597-G-T.
Identifiers: ClinVar variation 667037 (VCV000667037.8), dbSNP rs12721481, ClinGen allele CA4249483.